The following is an entry in ClinVar:

ClinVar aggregate classification (germline): Uncertain significance (1 of 4 stars; one submission).

Conditions:
Long QT syndrome (LQTS). Identifiers: MedGen C0023976, MeSH D008133, MONDO:0002442. Disease mechanism: loss of function. Inheritance: Various modes of inheritance.

Submission:

Labcorp Genetics (formerly Invitae), Labcorp
Classification: Uncertain significance for Long QT syndrome. Last evaluated: 2025-10-14. Review status: criteria provided, single submitter. Criteria: Invitae Variant Classification Sherloc (09022015). Collection method: clinical testing. Allele origin: germline.
Comment: This sequence change replaces glycine, which is neutral and non-polar, with valine, which is neutral and non-polar, at codon 475 of the ANK2 protein (p.Gly475Val). This variant is not present in population databases (gnomAD no frequency). This variant has not been reported in the literature in individuals affected with ANK2-related conditions. Invitae Evidence Modeling of protein sequence and biophysical properties (such as structural, functional, and spatial information, amino acid conservation, physicochemical variation, residue mobility, and thermodynamic stability) has been performed for this missense variant. However, the output from this modeling did not meet the statistical confidence thresholds required to predict the impact of this variant on ANK2 protein function. In summary, the available evidence is currently insufficient to determine the role of this variant in disease. Therefore, it has been classified as a Variant of Uncertain Significance.

NM_001148.6(ANK2):c.1424G>T (p.Gly475Val)

Gene: ANK2 (ankyrin 2; plus strand). Cytogenetic location: 4q26.
Variant type: single nucleotide variant.
Coding change: c.1424G>T on transcript NM_001148.6 (MANE Select); coding-DNA position 1424, G replaced by T.
Protein change: p.Gly475Val; replaces glycine 475 with valine.
Molecular consequence: missense variant.
Genome position (GRCh38, 1-based): chr4:113,264,934, G>T. VCF-style: chr4-113264934-G-T. GRCh37 (hg19) VCF-style: chr4-114186090-G-T.
Other names: c.1361G>T, p.Gly454Val (NM_001127493.3, NM_001354239.2, NM_001354243.2 and 14 more transcripts); c.1424G>T, p.Gly475Val (NM_001354225.2, NM_001354228.2, NM_001354232.2 and 8 more transcripts); c.1469G>T, p.Gly490Val (NM_001354230.2, NM_001354231.2, NM_001354237.2 and 5 more transcripts); c.1337G>T, p.Gly446Val (NM_001354249.2, NM_001354260.2, NM_001354264.2 and 13 more transcripts); c.1382G>T, p.Gly461Val (NM_001354261.2, NM_001386147.1, NM_001386160.1); c.1214G>T, p.Gly405Val (NM_001354269.3); c.1226G>T, p.Gly409Val (NM_001354273.2); c.1139G>T, p.Gly380Val (NM_001354277.2, NM_001386157.1, NM_001386158.1); and 4 more; short protein forms G461V, G463V, G475V, G446V, G492V, G405V, G454V, G471V.
Identifiers: ClinVar variation 4741027 (VCV004741027.1).